The following is an entry in ClinVar:

ClinVar aggregate classification (germline): Uncertain significance. Review status: criteria provided, multiple submitters, no conflicts (2 of 4 stars). 4 submissions from 4 submitters: Uncertain significance (4). Last evaluated 2025-01-22.

Conditions:
Inborn genetic diseases. Identifiers: MedGen C0950123, MeSH D030342.

Allele frequency attached by ClinVar (database versions not stated): gnomAD 0.00004; TOPMed 0.00005; ESP Exome Variant Server 0.00008.
gnomAD v4.1: 13 of 1,613,940 alleles (0.00081%); highest among the groups gnomAD compares: Admixed American, 0.02%; no homozygotes.

Submissions (4):

Ambry Genetics
Classification: Uncertain significance for Inborn genetic diseases. Last evaluated: 2025-01-22. Review status: criteria provided, single submitter. Criteria: Ambry Variant Classification Scheme 2023. Collection method: clinical testing. Allele origin: germline.

GeneDx
Classification: Uncertain significance. Last evaluated: 2024-12-10. Review status: criteria provided, single submitter. Criteria: GeneDx Variant Classification Process June 2021. Collection method: clinical testing. Allele origin: germline. Affected: yes.
Comment: In silico analysis indicates that this missense variant does not alter protein structure/function; Has not been previously published as pathogenic or benign to our knowledge; This variant is associated with the following publications: (PMID: 21520338, 31554319, 9590290)

Blueprint Genetics
Classification: Uncertain significance. Last evaluated: 2023-02-21. Review status: criteria provided, single submitter. Criteria: ACMG Guidelines, 2015. Collection method: clinical testing. Allele origin: germline.

Laboratory for Molecular Medicine, Mass General Brigham Personalized Medicine
Classification: Uncertain significance. Last evaluated: 2015-01-29. Review status: criteria provided, single submitter. Criteria: LMM Criteria. Collection method: clinical testing. Allele origin: germline. Observed: 2 variant alleles.
Comment: The p.Val205Leu variant in TECTA has not been previously reported in individuals with hearing loss, but has been identified in 2/19024 of chromosomes by the Exo me Aggregation Consortium (ExAC; dbSNP rs3751076 47). Computational prediction tools and conservation analysis suggest that the p.Val205Leu variant may not impact the protein, though this information is not p redictive enough to rule out pathogenicity. In summary, the clinical significa nce of the p.Val205Leu variant is uncertain.

NM_005422.4(TECTA):c.613G>C (p.Val205Leu)

Genes: TBCEL-TECTA (TBCEL-TECTA readthrough; plus strand), TECTA (tectorin alpha; plus strand). Cytogenetic location: 11q23.3.
Variant type: single nucleotide variant.
Coding change: c.613G>C on transcript NM_005422.4 (MANE Select); coding-DNA position 613, G replaced by C.
Protein change: p.Val205Leu; replaces valine 205 with leucine.
Molecular consequence: missense variant.
Genome position (GRCh38, 1-based): chr11:121,113,198, G>C. VCF-style: chr11-121113198-G-C. GRCh37 (hg19) VCF-style: chr11-120983907-G-C.
Other names: c.1570G>C, p.Val524Leu (NM_001378761.1); short protein forms V205L, V524L.
Identifiers: ClinVar variation 229307 (VCV000229307.8), dbSNP rs375107647, ClinGen allele CA6326537.